The following is an entry in ClinVar:

ClinVar aggregate classification (germline): Conflicting classifications of pathogenicity. Review status: criteria provided, conflicting classifications (1 of 4 stars). 2 submissions from 2 submitters: Uncertain significance (1); Likely benign (1). Last evaluated 2026-06-01.

Allele frequency attached by ClinVar (database versions not stated): gnomAD 0.00001; TOPMed 0.00003; gnomAD exomes 0.00004.
gnomAD v4.1: 59 of 1,482,478 alleles (0.004%); highest among the groups gnomAD compares: Non-Finnish European, 0.0046%; no homozygotes.

Submissions (2):

CeGaT Center for Human Genetics Tuebingen
Classification: Likely benign. Last evaluated: 2026-06-01. Review status: criteria provided, single submitter. Criteria: CeGaT Center For Human Genetics Tuebingen Variant Classification Criteria Version 2. Collection method: clinical testing. Allele origin: germline. Affected: yes. Observed: 1 variant allele.
Comment: CACNA1A: BP4, BP7

Athena Diagnostics
Classification: Uncertain significance. Last evaluated: 2020-04-07. Review status: criteria provided, single submitter. Criteria: Athena Diagnostics Criteria. Collection method: clinical testing. Allele origin: unknown.

NM_001127222.2(CACNA1A):c.7368G>A (p.Arg2456=)

Gene: CACNA1A (calcium voltage-gated channel subunit alpha1 A; minus strand). Cytogenetic location: 19p13.13.
Variant type: single nucleotide variant.
Coding change: c.7368G>A on transcript NM_001127222.2 (MANE Select); coding-DNA position 7368, G replaced by A.
Protein change: p.Arg2456=; no amino-acid change (arginine 2456 retained).
Molecular consequence: synonymous variant. On other transcripts: 3 prime UTR variant (3).
Genome position (GRCh38, 1-based): chr19:13,207,466, C>T on the plus strand (G>A on the coding strand, the complement: CACNA1A is on the minus strand). VCF-style: chr19-13207466-C-T. GRCh37 (hg19) VCF-style: chr19-13318280-C-T.
Other names: c.*580G>A (NM_000068.4, NM_001127221.2, NM_001174080.2); c.7386G>A, p.Arg2462= (NM_023035.3).
Identifiers: ClinVar variation 995300 (VCV000995300.3), dbSNP rs987406696, ClinGen allele CA305546321.
Genomic context (GRCh38, chr19:13,207,466, plus strand): 5'-GTAGCCGTTGGGGAGTCGCCGGCCGTGCCGAGAAGGCGAGGCGCAGGCCGGGCCCGAGGC[C>T]CGGGGAGTCCTGGGCGAGCGCCCGGTGGCGCCCGAGGACGCGTGTCGTACGGGGGGTGGC-3'
Protein context (NP_001120694.1, residues 2446-2466): GATGRSPRTP[Arg2456=]ASGPACASPS